The following is an entry in ClinVar:

ClinVar aggregate classification (germline): Uncertain significance (1 of 4 stars; one submission).

Conditions:
Fanconi anemia (FA). Also called: Fanconi's anemia. Identifiers: Orphanet 84, MedGen C0015625, MeSH D005199, MONDO:0019391.

Allele frequency attached by ClinVar (database versions not stated): gnomAD exomes 0.00001.
gnomAD v4.1: 4 of 1,613,570 alleles (0.00025%); highest among the groups gnomAD compares: Non-Finnish European, 0.00034%; no homozygotes.

Submission:

Labcorp Genetics (formerly Invitae), Labcorp
Classification: Uncertain significance for Fanconi anemia. Last evaluated: 2022-05-29. Review status: criteria provided, single submitter. Criteria: Invitae Variant Classification Sherloc (09022015). Collection method: clinical testing. Allele origin: germline.
Comment: In summary, the available evidence is currently insufficient to determine the role of this variant in disease. Therefore, it has been classified as a Variant of Uncertain Significance. Algorithms developed to predict the effect of missense changes on protein structure and function (SIFT, PolyPhen-2, Align-GVGD) all suggest that this variant is likely to be tolerated. This variant has not been reported in the literature in individuals affected with FANCM-related conditions. This variant is not present in population databases (gnomAD no frequency). This sequence change replaces serine, which is neutral and polar, with alanine, which is neutral and non-polar, at codon 1322 of the FANCM protein (p.Ser1322Ala).

NM_020937.4(FANCM):c.3964T>G (p.Ser1322Ala)

Gene: FANCM (FA complementation group M; plus strand). Cytogenetic location: 14q21.2.
Variant type: single nucleotide variant.
Coding change: c.3964T>G on transcript NM_020937.4 (MANE Select); coding-DNA position 3964, T replaced by G.
Protein change: p.Ser1322Ala; replaces serine 1322 with alanine.
Molecular consequence: missense variant.
Genome position (GRCh38, 1-based): chr14:45,176,718, T>G. VCF-style: chr14-45176718-T-G. GRCh37 (hg19) VCF-style: chr14-45645921-T-G.
Other names: c.3886T>G, p.Ser1296Ala (NM_001308133.2); short protein forms S1296A, S1322A.
Identifiers: ClinVar variation 2166187 (VCV002166187.4), dbSNP rs2503196033, ClinGen allele CA389603759.
Genomic context (GRCh38, chr14:45,176,718, plus strand): 5'-ATGCAGAATCCAAATTATGTACATTTGCCACTGAGTGCAGCAAAAAATGAAGAATTGTTA[T>G]CTCCTGGTTATTCTCAGTTTTCTTTACCAGTGCAAAAAAAAGTTATGAGTACACCACTCT-3'
Protein context (NP_065988.1, residues 1312-1332): LSAAKNEELL[Ser1322Ala]PGYSQFSLPV